The following is an entry in ClinVar:

NM_006254.4(PRKCD):c.1441C>T (p.Leu481=)

Gene: PRKCD (protein kinase C delta; plus strand). Cytogenetic location: 3p21.1.
Variant type: single nucleotide variant.
Coding change: c.1441C>T on transcript NM_006254.4 (MANE Select); coding-DNA position 1441, C replaced by T.
Protein change: p.Leu481=; no amino-acid change (leucine 481 retained).
Molecular consequence: synonymous variant.
Genome position (GRCh38, 1-based): chr3:53,188,745, C>T. VCF-style: chr3-53188745-C-T. GRCh37 (hg19) VCF-style: chr3-53222761-C-T.
Other names: p.Leu481=; c.1441C>T, p.Leu481= (NM_001316327.2, NM_001354679.2, NM_001354680.2 and 1 more transcripts); c.1498C>T, p.Leu500= (NM_001354676.2); c.1489C>T, p.Leu497= (NM_001354678.2).
Identifiers: ClinVar variation 403346 (VCV000403346.21), dbSNP rs2306574, ClinGen allele CA2452197.

ClinVar aggregate classification (germline): Benign/Likely benign. Review status: criteria provided, multiple submitters, no conflicts (2 of 4 stars). 8 submissions from 8 submitters: Benign (7); Likely benign (1). Last evaluated 2026-02-04.

Conditions:
Autoimmune lymphoproliferative syndrome, type III caused by mutation in PRKCD. Identifiers: Orphanet 3261, Orphanet 664711, MedGen C3809928, MONDO:8000024, OMIM 615559.

Allele frequency attached by ClinVar (database versions not stated): 1000 Genomes Project 0.71346; 1000 Genomes Project 30x 0.71908; ExAC 0.74805; gnomAD exomes 0.75166 and 0.77477; gnomAD 0.75242 and 0.75510; TOPMed 0.75584; ESP Exome Variant Server 0.75827.
gnomAD v4.1: 1,246,719 of 1,613,980 alleles (77%); highest among the groups gnomAD compares: East Asian, 83%; 482,990 homozygotes.

Submissions (8):

Labcorp Genetics (formerly Invitae), Labcorp
Classification: Benign for Autoimmune lymphoproliferative syndrome, type III caused by mutation in PRKCD. Last evaluated: 2026-02-04. Review status: criteria provided, single submitter. Criteria: Invitae Variant Classification Sherloc (09022015). Collection method: clinical testing. Allele origin: germline.

Blueprint Genetics
Classification: Likely benign. Last evaluated: 2024-11-26. Review status: criteria provided, single submitter. Criteria: ACMG Guidelines, 2015. Collection method: clinical testing. Allele origin: germline.

Unidad de Genómica Garrahan, Hospital de Pediatría Garrahan
Classification: Benign. Last evaluated: 2023-11-12. Review status: criteria provided, single submitter. Criteria: ACMG Guidelines, 2015. Collection method: clinical testing. Allele origin: germline. Affected: no. Observed: 93 variant alleles.
Comment: This variant is classified as Benign based on local population frequency. This variant was detected in 97% of patients studied by a panel of primary immunodeficiencies. Number of patients: 93. Only high quality variants are reported.

Genome-Nilou Lab
Classification: Benign for Autoimmune lymphoproliferative syndrome, type III caused by mutation in PRKCD. Last evaluated: 2021-10-25. Review status: criteria provided, single submitter. Criteria: ACMG Guidelines, 2015. Collection method: clinical testing. Allele origin: germline. Affected: no.

GeneDx
Classification: Benign. Last evaluated: 2021-05-04. Review status: criteria provided, single submitter. Criteria: GeneDx Variant Classification Process June 2021. Collection method: clinical testing. Allele origin: germline. Affected: yes.

Mayo Clinic Laboratories, Mayo Clinic
Classification: Benign. Last evaluated: 2016-10-03. Review status: criteria provided, single submitter. Criteria: ACMG Guidelines, 2015. Collection method: clinical testing. Allele origin: germline. Observed: 752 variant alleles.

Laboratory for Molecular Medicine, Mass General Brigham Personalized Medicine
Classification: Benign. Last evaluated: 2016-03-29. Review status: criteria provided, single submitter. Criteria: LMM Criteria. Collection method: clinical testing. Allele origin: germline.
Comment: Variant identified in a genome or exome case(s) and assessed due to predicted null impact of the variant or pathogenic assertions in the literature or databases. Disclaimer: This variant has not undergone full assessment. The following are preliminary notes: Frequency

Breakthrough Genomics
Classification: Benign. Review status: criteria provided, single submitter. Criteria: ACMG Guidelines, 2015. Collection method: not provided. Allele origin: germline. Inheritance: Autosomal recessive inheritance. Affected: yes.